The following is an entry in ClinVar:

NM_000432.4(MYL2):c.28G>A (p.Ala10Thr)

Genes: MYL2 (myosin light chain 2; minus strand), LOC114827850 (VISTA enhancer hs2149; plus strand). Cytogenetic location: 12q24.11.
Variant type: single nucleotide variant.
Coding change: c.28G>A on transcript NM_000432.4 (MANE Select); coding-DNA position 28, G replaced by A.
Protein change: p.Ala10Thr; replaces alanine 10 with threonine.
Molecular consequence: missense variant.
Genome position (GRCh38, 1-based): chr12:110,919,169, C>T on the plus strand (G>A on the coding strand, the complement: MYL2 is on the minus strand). VCF-style: chr12-110919169-C-T. GRCh37 (hg19) VCF-style: chr12-111356973-C-T.
Other names: p.A10T:GCC>ACC; short protein forms A10T.
Identifiers: ClinVar variation 181423 (VCV000181423.18), dbSNP rs730880942, ClinGen allele CA010053.

ClinVar aggregate classification (germline): Conflicting classifications of pathogenicity. Review status: criteria provided, conflicting classifications (1 of 4 stars). 5 submissions from 5 submitters: Uncertain significance (4); Likely benign (1). Last evaluated 2025-11-16.

Conditions:
Cardiovascular phenotype. Identifiers: MedGen CN230736.
Cardiomyopathy (CMYO). Also called: Cardiomyopathies. Identifiers: Orphanet 167848, MedGen C0878544, MONDO:0004994, HP:0001638. Inheritance: Various modes of inheritance.
Hypertrophic cardiomyopathy 10. Also called: CARDIOMYOPATHY, HYPERTROPHIC, MID-LEFT VENTRICULAR CHAMBER TYPE, 2; MYL2-Related Familial Hypertrophic Cardiomyopathy. Identifiers: MedGen C1834460, MONDO:0012112, OMIM 608758.
Hypertrophic cardiomyopathy. Also called: HYPERTROPHIC MYOCARDIOPATHY. Identifiers: Orphanet 217569, MedGen C0007194, MeSH D002312, MONDO:0005045, HP:0001639.

Allele frequency attached by ClinVar (database versions not stated): gnomAD 0.00001; gnomAD exomes 0.00001; TOPMed 0.00001; ExAC 0.00001.
gnomAD v4.1: 6 of 1,613,576 alleles (0.00037%); highest among the groups gnomAD compares: Non-Finnish European, 0.00051%; no homozygotes.

Submissions (5):

Labcorp Genetics (formerly Invitae), Labcorp
Classification: Uncertain significance for Hypertrophic cardiomyopathy 10. Last evaluated: 2025-11-16. Review status: criteria provided, single submitter. Criteria: Invitae Variant Classification Sherloc (09022015). Collection method: clinical testing. Allele origin: germline.
Comment: This sequence change replaces alanine, which is neutral and non-polar, with threonine, which is neutral and polar, at codon 10 of the MYL2 protein (p.Ala10Thr). This variant is present in population databases (rs730880942, gnomAD 0.002%). This variant has not been reported in the literature in individuals affected with MYL2-related conditions. ClinVar contains an entry for this variant (Variation ID: 181423). Experimental studies and prediction algorithms are not available or were not evaluated, and the functional significance of this variant is currently unknown. In summary, the available evidence is currently insufficient to determine the role of this variant in disease. Therefore, it has been classified as a Variant of Uncertain Significance.

Color Diagnostics, LLC DBA Color Health
Classification: Likely benign for Cardiomyopathy. Last evaluated: 2025-05-13. Review status: criteria provided, single submitter. Criteria: ACMG Guidelines, 2015. Collection method: clinical testing. Allele origin: germline.

Ambry Genetics
Classification: Uncertain significance for Cardiovascular phenotype. Last evaluated: 2025-04-12. Review status: criteria provided, single submitter. Criteria: Ambry Variant Classification Scheme 2023. Collection method: clinical testing. Allele origin: germline.
Comment: The p.A10T variant (also known as c.28G>A), located in coding exon 2 of the MYL2 gene, results from a G to A substitution at nucleotide position 28. The alanine at codon 10 is replaced by threonine, an amino acid with similar properties. This amino acid position is conserved. In addition, this alteration is predicted to be tolerated by in silico analysis. Based on the available evidence, the clinical significance of this variant remains unclear.

All of Us Research Program, National Institutes of Health
Classification: Uncertain significance for Hypertrophic cardiomyopathy. Last evaluated: 2023-10-02. Review status: criteria provided, single submitter. Criteria: ACMG Guidelines, 2015. Collection method: clinical testing. Allele origin: germline. Inheritance: Autosomal dominant inheritance. Observed: 3 variant alleles, 3 heterozygotes.
Comment: This missense variant replaces alanine with threonine at codon 10 of the MYL2 protein. Computational prediction suggests that this variant may not impact protein structure and function (internally defined REVEL score threshold <= 0.5, PMID: 27666373). To our knowledge, functional studies have not been reported for this variant. This variant has not been reported in individuals affected with cardiovascular disorders in the literature. This variant has been identified in 2/251396 chromosomes in the general population by the Genome Aggregation Database (gnomAD). The available evidence is insufficient to determine the role of this variant in disease conclusively. Therefore, this variant is classified as a Variant of Uncertain Significance.

This study involves interpretation of variants in research participants for the purpose of population health screening. Participant phenotype was not available at the time of variant classification. Additional details can be found in publication PMID: 35346344, PMCID: PMC8962531

GeneDx
Classification: Uncertain significance. Last evaluated: 2017-11-29. Review status: criteria provided, single submitter. Criteria: GeneDx Variant Classification (06012015). Collection method: clinical testing. Allele origin: germline. Affected: yes.
Comment: p.Ala10Thr (GCC>ACC): c.28 G>A in exon 2 of the MYL2 gene (NM_000432.3). The A10T variant has not been published as a mutation, nor has it been reported as a benign polymorphism to our knowledge. The A10T variant was not observed in approximately 6500 individuals of European and African American ancestry in the NHLBI Exome Sequencing Project, indicating it is not a common benign variant in these populations. Missense mutations in nearby residues (A13T, F18L) have been reported n association with HCM, supporting the functional importance of this region of the protein. The A10T variant is a non-conservative amino acid substitution, which is likely to impact secondary protein structure as these residues differ in polarity, charge, size and/or other properties. However, this substitution occurs at a position that is not well conserved across species. In addition, in silico analysis predicts this variant likely does not alter the protein structure/function. Therefore, based on the currently available information, it is unclear whether this variant is a pathogenic mutation or a rare benign variant. The variant is found in CARDIOMYOPATHY panel(s).